The following is an entry in ClinVar:

NM_001278116.2(L1CAM):c.2249A>G (p.Tyr750Cys)

Gene: L1CAM (L1 cell adhesion molecule; minus strand). Cytogenetic location: Xq28.
Variant type: single nucleotide variant.
Coding change: c.2249A>G on transcript NM_001278116.2 (MANE Select); coding-DNA position 2249, A replaced by G.
Protein change: p.Tyr750Cys; replaces tyrosine 750 with cysteine.
Molecular consequence: missense variant.
Genome position (GRCh38, 1-based): chrX:153,866,831, T>C on the plus strand (A>G on the coding strand, the complement: L1CAM is on the minus strand). VCF-style: chrX-153866831-T-C. GRCh37 (hg19) VCF-style: chrX-153132286-T-C.
Other names: c.2249A>G, p.Tyr750Cys (NM_000425.5, NM_024003.3); c.2234A>G, p.Tyr745Cys (NM_001143963.2); short protein forms Y745C, Y750C.
Identifiers: ClinVar variation 1313001 (VCV001313001.2), dbSNP rs1064794855, ClinGen allele CA415120699.

ClinVar aggregate classification (germline): Uncertain significance (1 of 4 stars; one submission).

Submission:

GeneDx
Classification: Uncertain significance. Last evaluated: 2020-07-13. Review status: criteria provided, single submitter. Criteria: GeneDx Variant Classification Process June 2021. Collection method: clinical testing. Allele origin: germline. Affected: yes.
Comment: Not observed in large population cohorts (Lek et al., 2016); In silico analysis supports that this missense variant has a deleterious effect on protein structure/function; Has not been previously published as pathogenic or benign to our knowledge